The following is an entry in ClinVar:

ClinVar aggregate classification (germline): Uncertain significance (1 of 4 stars; one submission).

Submission:

Labcorp Genetics (formerly Invitae), Labcorp
Classification: Uncertain significance. Last evaluated: 2024-05-31. Review status: criteria provided, single submitter. Criteria: Invitae Variant Classification Sherloc (09022015). Collection method: clinical testing. Allele origin: germline.
Comment: This sequence change falls in intron 8 of the DTHD1 gene. It does not directly change the encoded amino acid sequence of the DTHD1 protein. It affects a nucleotide within the consensus splice site. This variant is not present in population databases (gnomAD no frequency). This variant has not been reported in the literature in individuals affected with DTHD1-related conditions. Variants that disrupt the consensus splice site are a relatively common cause of aberrant splicing (PMID: 17576681, 9536098). Algorithms developed to predict the effect of sequence changes on RNA splicing suggest that this variant is not likely to affect RNA splicing. In summary, the available evidence is currently insufficient to determine the role of this variant in disease. Therefore, it has been classified as a Variant of Uncertain Significance.

Literature cited by the submitters: PubMed 17576681; PubMed 9536098.

NM_001170700.3(DTHD1):c.2398+3G>A

Gene: DTHD1 (death domain containing 1; plus strand). Cytogenetic location: 4p14.
Variant type: single nucleotide variant.
Coding change: c.2398+3G>A on transcript NM_001170700.3 (MANE Select); 3 bases into the intron after coding-DNA position 2398, G replaced by A.
Molecular consequence: intron variant.
Genome position (GRCh38, 1-based): chr4:36,339,172, G>A. VCF-style: chr4-36339172-G-A. GRCh37 (hg19) VCF-style: chr4-36340794-G-A.
Other names: c.1528+3G>A (NM_001136536.5); c.1408-4330G>A (NM_001378435.1).
Identifiers: ClinVar variation 3004217 (VCV003004217.3), dbSNP rs950064765, ClinGen allele CA95809856.